The following is an entry in ClinVar:

NM_001122769.3(LCA5):c.609del (p.Leu203fs)

Gene: LCA5 (lebercilin LCA5; minus strand). Cytogenetic location: 6q14.1.
Variant type: Deletion.
Coding change: c.609del on transcript NM_001122769.3 (MANE Select); coding-DNA position 609, one base deleted (A; older notation c.609delA).
Protein change: p.Leu203fs; shifts the reading frame from leucine 203.
Molecular consequence: frameshift variant.
Genome position (GRCh38, 1-based): chr6:79,513,323, T deleted on the plus strand (A on the coding strand, the reverse complement: LCA5 is on the minus strand). VCF-style (leftmost placement, unchanged base first): chr6-79513322-GT-G. GRCh37 (hg19) VCF-style: chr6-80223039-GT-G.
Other names: c.609del, p.Leu203fs (NM_181714.4); short protein forms L203fs.
Identifiers: ClinVar variation 2706899 (VCV002706899.3), dbSNP rs2533438579, ClinGen allele CA2697553583.

ClinVar aggregate classification (germline): Pathogenic/Likely pathogenic. Review status: criteria provided, multiple submitters, no conflicts (2 of 4 stars). 2 submissions from 2 submitters: Pathogenic (1); Likely pathogenic (1). Last evaluated 2024-01-01.

Conditions:
Leber congenital amaurosis 5 (LCA5). Also called: Amaurosis congenita of Leber, type 5. Identifiers: Orphanet 65, MedGen C1858301, MONDO:0011473, OMIM 604537.

Submissions (2):

Labcorp Genetics (formerly Invitae), Labcorp
Classification: Pathogenic. Last evaluated: 2024-01-01. Review status: criteria provided, single submitter. Criteria: Invitae Variant Classification Sherloc (09022015). Collection method: clinical testing. Allele origin: germline.
Comment: This sequence change creates a premature translational stop signal (p.Leu203Phefs*4) in the LCA5 gene. It is expected to result in an absent or disrupted protein product. Loss-of-function variants in LCA5 are known to be pathogenic (PMID: 17546029, 23946133). This variant is not present in population databases (gnomAD no frequency). This variant has not been reported in the literature in individuals affected with LCA5-related conditions. For these reasons, this variant has been classified as Pathogenic.

Neuberg Centre For Genomic Medicine, NCGM
Classification: Likely pathogenic for Leber congenital amaurosis 5. Review status: criteria provided, single submitter. Criteria: ACMG Guidelines, 2015. Collection method: clinical testing. Allele origin: germline. Inheritance: Autosomal recessive inheritance. Affected: yes.

Literature cited by the submitters: PubMed 17546029 (cited by Labcorp Genetics (formerly Invitae), Labcorp); PubMed 23946133 (cited by Labcorp Genetics (formerly Invitae), Labcorp).